The following is an entry in ClinVar:

NM_016816.4(OAS1):c.898del (p.Asp300fs)

Gene: OAS1 (2'-5'-oligoadenylate synthetase 1; plus strand). Cytogenetic location: 12q24.13.
Variant type: Deletion.
Coding change: c.898del on transcript NM_016816.4 (MANE Select); coding-DNA position 898, one base deleted (G; older notation c.898delG).
Protein change: p.Asp300fs; shifts the reading frame from aspartic acid 300.
Molecular consequence: frameshift variant.
Genome position (GRCh38, 1-based): chr12:112,917,560, G deleted; the last of 2 consecutive G bases (chr12:112,917,559-112,917,560); deleting either gives the same sequence. VCF-style (leftmost placement, unchanged base first): chr12-112917558-TG-T. GRCh37 (hg19) VCF-style: chr12-113355363-TG-T.
Other names: c.898del, p.Asp300fs (NM_001032409.3, NM_001320151.2, NM_002534.4); c.874delG, p.Asp292Thrfs (NM_001406020.1, NM_001406021.1, NM_001406023.1 and 2 more transcripts); c.898delG, p.Asp300Thrfs (NM_001406022.1, NM_001412228.1); c.424delG, p.Asp142Thrfs (NM_001406026.1, NM_001406027.1, NM_001406029.1 and 1 more transcripts); short protein forms D300fs.
Identifiers: ClinVar variation 2049938 (VCV002049938.4), dbSNP rs2540976919, ClinGen allele CA2580085821.
Genomic context (GRCh38, chr12:112,917,558, plus strand): 5'-GACAGAGCCCCAGCTTCTCACCTGTCCCTCTCTAAATGCTGCTCTGCAGGCCTGTGATCC[TG>T]GACCCGGCGGACCCTACAGGAAACTTGGGTGGTGGAGACCCAAAGGGTTGGAGGCAGCTG-3'

ClinVar aggregate classification (germline): Uncertain significance (1 of 4 stars; one submission).

Submission:

Labcorp Genetics (formerly Invitae), Labcorp
Classification: Uncertain significance. Last evaluated: 2021-12-20. Review status: criteria provided, single submitter. Criteria: Invitae Variant Classification Sherloc (09022015). Collection method: clinical testing. Allele origin: germline.
Comment: This sequence change creates a premature translational stop signal (p.Asp300Thrfs*28) in the OAS1 gene. It is expected to result in an absent or disrupted protein product. However, the current clinical and genetic evidence is not sufficient to establish whether loss-of-function variants in OAS1 cause disease. This variant is not present in population databases (gnomAD no frequency). This variant has not been reported in the literature in individuals affected with OAS1-related conditions. In summary, the available evidence is currently insufficient to determine the role of this variant in disease. Therefore, it has been classified as a Variant of Uncertain Significance.